The following is an entry in ClinVar:

NM_001372044.2(SHANK3):c.3187A>G (p.Thr1063Ala)

Gene: SHANK3 (SH3 and multiple ankyrin repeat domains 3; plus strand). Cytogenetic location: 22q13.33.
Variant type: single nucleotide variant.
Coding change: c.3187A>G on transcript NM_001372044.2 (MANE Select); coding-DNA position 3187, A replaced by G.
Protein change: p.Thr1063Ala; replaces threonine 1063 with alanine.
Molecular consequence: missense variant.
Genome position (GRCh38, 1-based): chr22:50,720,795, A>G. VCF-style: chr22-50720795-A-G. GRCh37 (hg19) VCF-style: chr22-51159223-A-G.
Other names: c.2962A>G (NM_033517.1); short protein forms T1063A.
Identifiers: ClinVar variation 3340845 (VCV003340845.1).

ClinVar aggregate classification (germline): Likely benign (1 of 4 stars; one submission).

Submission:

GeneDx
Classification: Likely benign. Last evaluated: 2024-02-15. Review status: criteria provided, single submitter. Criteria: GeneDx Variant Classification Process June 2021. Collection method: clinical testing. Allele origin: germline. Affected: yes.
Comment: See Variant Classification Assertion Criteria.